The following is an entry in ClinVar:

NM_005235.3(ERBB4):c.1889G>T (p.Ser630Ile)

Gene: ERBB4 (erb-b2 receptor tyrosine kinase 4; minus strand). Cytogenetic location: 2q34.
Variant type: single nucleotide variant.
Coding change: c.1889G>T on transcript NM_005235.3 (MANE Select); coding-DNA position 1889, G replaced by T.
Protein change: p.Ser630Ile; replaces serine 630 with isoleucine.
Molecular consequence: missense variant.
Genome position (GRCh38, 1-based): chr2:211,657,811, C>A on the plus strand (G>T on the coding strand, the complement: ERBB4 is on the minus strand). VCF-style: chr2-211657811-C-A. GRCh37 (hg19) VCF-style: chr2-212522536-C-A.
Other names: c.1889G>T, p.Ser630Ile (NM_001042599.2); short protein forms S630I.
Identifiers: ClinVar variation 3715846 (VCV003715846.2).

ClinVar aggregate classification (germline): Uncertain significance (1 of 4 stars; one submission).

gnomAD v4.1: 4 of 1,613,942 alleles (0.00025%); highest among the groups gnomAD compares: Non-Finnish European, 0.00034%; no homozygotes.

Submission:

Labcorp Genetics (formerly Invitae), Labcorp
Classification: Uncertain significance. Last evaluated: 2024-06-04. Review status: criteria provided, single submitter. Criteria: Invitae Variant Classification Sherloc (09022015). Collection method: clinical testing. Allele origin: germline.
Comment: This sequence change replaces serine, which is neutral and polar, with isoleucine, which is neutral and non-polar, at codon 630 of the ERBB4 protein (p.Ser630Ile). This variant is not present in population databases (gnomAD no frequency). This variant has not been reported in the literature in individuals affected with ERBB4-related conditions. Advanced modeling of protein sequence and biophysical properties (such as structural, functional, and spatial information, amino acid conservation, physicochemical variation, residue mobility, and thermodynamic stability) performed at Invitae indicates that this missense variant is not expected to disrupt ERBB4 protein function with a negative predictive value of 80%. In summary, the available evidence is currently insufficient to determine the role of this variant in disease. Therefore, it has been classified as a Variant of Uncertain Significance.